The following is an entry in ClinVar:

NM_000059.4(BRCA2):c.3417G>T (p.Lys1139Asn)

Gene: BRCA2 (BRCA2 DNA repair associated; plus strand). Cytogenetic location: 13q13.1.
Variant type: single nucleotide variant.
Coding change: c.3417G>T on transcript NM_000059.4 (MANE Select); coding-DNA position 3417, G replaced by T.
Protein change: p.Lys1139Asn; replaces lysine 1139 with asparagine.
Molecular consequence: missense variant.
Genome position (GRCh38, 1-based): chr13:32,337,772, G>T. VCF-style: chr13-32337772-G-T. GRCh37 (hg19) VCF-style: chr13-32911909-G-T.
Other names: p.Lys1139Asn; short protein forms K1139N.
Identifiers: ClinVar variation 246043 (VCV000246043.16), dbSNP rs145625991, ClinGen allele CA10584442.

ClinVar aggregate classification (germline): Conflicting classifications of pathogenicity. Review status: criteria provided, conflicting classifications (1 of 4 stars). 6 submissions from 6 submitters: Uncertain significance (4); Likely benign (2). Last evaluated 2025-08-13.

Conditions:
Hereditary cancer-predisposing syndrome. Also called: Hereditary neoplastic syndrome; Neoplastic Syndromes, Hereditary; Tumor predisposition; Hereditary Cancer Syndrome. Identifiers: Orphanet 140162, MedGen C0027672, MeSH D009386, MONDO:0015356.
Hereditary breast ovarian cancer syndrome. Also called: Hereditary breast and ovarian cancer syndrome (HBOC); Hereditary breast and ovarian cancer; Hereditary breast and ovarian cancer syndrome; Breast and ovarian cancer; Hereditary breast and/or ovarian cancer syndrome; BRCA1- and BRCA2-Associated Hereditary Breast and Ovarian Cancer. Identifiers: Orphanet 145, MedGen C0677776, MeSH D061325, MONDO:0003582. Disease mechanism: loss of function.

Allele frequency attached by ClinVar (database versions not stated): gnomAD 0.00003.
gnomAD v4.1: 3 of 1,613,844 alleles (0.00019%); highest among the groups gnomAD compares: African/African-American, 0.0027%; no homozygotes.

Submissions (6):

Labcorp Genetics (formerly Invitae), Labcorp
Classification: Uncertain significance for Hereditary breast ovarian cancer syndrome. Last evaluated: 2025-08-13. Review status: criteria provided, single submitter. Criteria: Invitae Variant Classification Sherloc (09022015). Collection method: clinical testing. Allele origin: germline.
Comment: This sequence change replaces lysine, which is basic and polar, with asparagine, which is neutral and polar, at codon 1139 of the BRCA2 protein (p.Lys1139Asn). This variant is present in population databases (no rsID available, gnomAD 0.01%). This missense change has been observed in individual(s) with clinical features of BRCA2-related conditions (PMID: 21520333). ClinVar contains an entry for this variant (Variation ID: 246043). Invitae Evidence Modeling of protein sequence and biophysical properties (such as structural, functional, and spatial information, amino acid conservation, physicochemical variation, residue mobility, and thermodynamic stability) indicates that this missense variant is not expected to disrupt BRCA2 protein function with a negative predictive value of 95%. In summary, the available evidence is currently insufficient to determine the role of this variant in disease. Therefore, it has been classified as a Variant of Uncertain Significance.

Quest Diagnostics Nichols Institute San Juan Capistrano
Classification: Uncertain significance. Last evaluated: 2024-07-18. Review status: criteria provided, single submitter. Criteria: Quest Diagnostics criteria. Collection method: clinical testing. Allele origin: unknown.
Comment: The BRCA2 c.3417G>T (p.Lys1139Asn) variant has been reported in the published literature to be located in a region of the BRCA2 gene that is tolerant to missense sequence changes (PMID: 31911673 (2020)). To the best of our knowledge, this variant has not been reported in individuals with BRCA2-related disorders. The frequency of this variant in the general population, 0.000032 (1/31406 chromosomes (Genome Aggregation Database)), is uninformative in the assessment of its pathogenicity. Analysis of this variant using bioinformatics tools for the prediction of the effect of amino acid changes on protein structure and function yielded predictions that this variant is benign. Based on the available information, we are unable to determine the clinical significance of this variant.

Mayo Clinic Laboratories, Mayo Clinic
Classification: Uncertain significance. Last evaluated: 2023-06-22. Review status: criteria provided, single submitter. Criteria: ACMG Guidelines, 2015. Collection method: clinical testing. Allele origin: germline. Observed: 1 variant allele.
Comment: BP4, PM2

University of Washington Department of Laboratory Medicine, University of Washington
Classification: Likely benign for Hereditary cancer-predisposing syndrome. Last evaluated: 2023-03-23. Review status: criteria provided, single submitter. Criteria: Dines et al. (Genet Med. 2020). Collection method: curation. Allele origin: germline.
Comment: Missense variant in a coldspot region where missense variants are very unlikely to be pathogenic (PMID:31911673).

BRCA2 exon 11 coldspot. Reclassification based on statistical prior probability.

Ambry Genetics
Classification: Likely benign for Hereditary cancer-predisposing syndrome. Last evaluated: 2021-03-30. Review status: criteria provided, single submitter. Criteria: Ambry Variant Classification Scheme 2023. Collection method: clinical testing. Allele origin: germline.

GeneDx
Classification: Uncertain significance. Last evaluated: 2015-10-28. Review status: criteria provided, single submitter. Criteria: GeneDx Variant Classification (06012015). Collection method: clinical testing. Allele origin: germline. Affected: yes.
Comment: This variant is denoted BRCA2 c.3417G>T at the cDNA level, p.Lys1139Asn (K1139N) at the protein level, and results in the change of a Lysine to a Asparagine (AAG>AAT). Using alternate nomenclature, this variant would be defined as BRCA2 c.3645G>T. This variant has not, to our knowledge, been published in the literature as pathogenic or benign. This variant was not observed in approximately 6,500 individuals of European and African American ancestry in the NHLBI Exome Sequencing Project, suggesting it is not a common benign variant in these populations. Since Lysine and Asparagine differ in some properties, this is considered a semi-conservative amino acid substitution. BRCA2 Lys1139Asn occurs at a position that is not conserved and is not located in a known functional domain (Borg 2010, Uniprot). In silico analyses predict that this variant is unlikely to alter protein structure or function. Based on currently available evidence, it is unclear whether BRCA2 Lys1139Asn is a pathogenic or benign variant. We consider it to be a variant of uncertain significance.

Literature cited by the submitters: PubMed 21520333 (cited by Labcorp Genetics (formerly Invitae), Labcorp); PubMed 31911673 (cited by Quest Diagnostics Nichols Institute San Juan Capistrano).